The following is an entry in ClinVar:

NM_001366145.2(TRPM3):c.1633C>T (p.Arg545Ter)

Gene: TRPM3 (transient receptor potential cation channel subfamily M member 3; minus strand). Cytogenetic location: 9q21.12.
Variant type: single nucleotide variant.
Coding change: c.1633C>T on transcript NM_001366145.2 (MANE Select); coding-DNA position 1633, C replaced by T.
Protein change: p.Arg545Ter; replaces arginine 545 with a stop codon.
Molecular consequence: nonsense. On other transcripts: intron variant (9).
Genome position (GRCh38, 1-based): chr9:70,625,517, G>A on the plus strand (C>T on the coding strand, the complement: TRPM3 is on the minus strand). VCF-style: chr9-70625517-G-A. GRCh37 (hg19) VCF-style: chr9-73240433-G-A.
Other names: c.1639C>T, p.Arg547Ter (NM_001366142.2); c.1633C>T, p.Arg545Ter (NM_001366146.2, NM_001366149.2); c.1708C>T, p.Arg570Ter (NM_001366147.2, NM_001366148.2, NM_001366152.2); c.1174C>T, p.Arg392Ter (NM_001366154.2, NM_024971.7, NM_206945.5); c.1639-186C>T (NM_001366143.2, NM_001366141.2); c.1633-186C>T (NM_001366150.2, NM_001366151.2, NM_001007471.4); c.1174-186C>T (NM_206944.5, NM_020952.6); c.1249-186C>T (NM_206947.5, NM_206946.5); short protein forms R392*, R545*, R547*, R570*.
Identifiers: ClinVar variation 4885134 (VCV004885134.2).

ClinVar aggregate classification (germline): Uncertain significance (1 of 4 stars; one submission).

gnomAD v4.1: 5 of 1,611,782 alleles (0.00031%); highest among the groups gnomAD compares: Middle Eastern, 0.017%; no homozygotes.

Submission:

Dasa
Classification: Uncertain significance. Last evaluated: 2025-09-25. Review status: criteria provided, single submitter. Criteria: DASA Assertion Criteria. Collection method: clinical testing. Allele origin: germline.
Comment: NM_001366145.2(TRPM3):c.1633C>T (p.Arg545*) is a nonsense variant in TRPM3 predicted to introduce a premature termination codon. This variant is rare in population databases. The currently available literature and clinical evidence are not sufficient to establish a definitive association between this variant and the reported condition. Therefore, this variant is classified as a variant of uncertain significance.